The following is an entry in ClinVar:

ClinVar aggregate classification (germline): Uncertain significance. Review status: criteria provided, multiple submitters, no conflicts (2 of 4 stars). 2 submissions from 2 submitters: Uncertain significance (2). Last evaluated 2025-09-01.

Conditions:
Inborn genetic diseases. Identifiers: MedGen C0950123, MeSH D030342.

Allele frequency attached by ClinVar (database versions not stated): gnomAD 0.00002; TOPMed 0.00002; gnomAD exomes 0.00003; ExAC 0.00006.
gnomAD v4.1: 42 of 1,613,946 alleles (0.0026%); highest among the groups gnomAD compares: South Asian, 0.019%; no homozygotes.

Submissions (2):

Ambry Genetics
Classification: Uncertain significance for Inborn genetic diseases. Last evaluated: 2025-09-01. Review status: criteria provided, single submitter. Criteria: Ambry Variant Classification Scheme 2023. Collection method: clinical testing. Allele origin: germline.

Labcorp Genetics (formerly Invitae), Labcorp
Classification: Uncertain significance. Last evaluated: 2022-06-26. Review status: criteria provided, single submitter. Criteria: Invitae Variant Classification Sherloc (09022015). Collection method: clinical testing. Allele origin: germline.
Comment: This variant is present in population databases (rs764376792, gnomAD 0.06%). In summary, the available evidence is currently insufficient to determine the role of this variant in disease. Therefore, it has been classified as a Variant of Uncertain Significance. Algorithms developed to predict the effect of missense changes on protein structure and function output the following: SIFT: "Deleterious"; PolyPhen-2: "Benign"; Align-GVGD: "Class C0". The isoleucine amino acid residue is found in multiple mammalian species, which suggests that this missense change does not adversely affect protein function. This variant has not been reported in the literature in individuals affected with GUCY2C-related conditions. This sequence change replaces valine, which is neutral and non-polar, with isoleucine, which is neutral and non-polar, at codon 39 of the GUCY2C protein (p.Val39Ile).

NM_004963.4(GUCY2C):c.115G>A (p.Val39Ile)

Genes: GUCY2C (guanylate cyclase 2C; minus strand), GUCY2C-AS1 (GUCY2C antisense RNA 1; plus strand). Cytogenetic location: 12p12.3.
Variant type: single nucleotide variant.
Coding change: c.115G>A on transcript NM_004963.4 (MANE Select); coding-DNA position 115, G replaced by A.
Protein change: p.Val39Ile; replaces valine 39 with isoleucine.
Molecular consequence: missense variant.
Genome position (GRCh38, 1-based): chr12:14,696,334, C>T on the plus strand (G>A on the coding strand, the complement: GUCY2C is on the minus strand). VCF-style: chr12-14696334-C-T. GRCh37 (hg19) VCF-style: chr12-14849268-C-T.
Other names: c.115G>A (NM_004963.3); short protein forms V39I.
Identifiers: ClinVar variation 1916902 (VCV001916902.6), dbSNP rs764376792, ClinGen allele CA6463843.
Genomic context (GRCh38, chr12:14,696,334, plus strand): 5'-TCACCGCATCTTCCAAGTTTTTCAGGGGCTCTGCAAAGGCTGAGTTGCCCATCATCAGGA[C>T]GCTGATTTCATAGCTGCCATTGTGGCAGTTCTGACTCACCTGGGAACTAAAGGACAGCCA-3'
Protein context (NP_004954.2, residues 29-49): NCHNGSYEIS[Val39Ile]LMMGNSAFAE